The following is an entry in ClinVar:

NM_194248.3(OTOF):c.3862G>T (p.Ala1288Ser)

Gene: OTOF (otoferlin; minus strand). Cytogenetic location: 2p23.3.
Variant type: single nucleotide variant.
Coding change: c.3862G>T on transcript NM_194248.3 (MANE Select); coding-DNA position 3862, G replaced by T.
Protein change: p.Ala1288Ser; replaces alanine 1288 with serine.
Molecular consequence: missense variant.
Genome position (GRCh38, 1-based): chr2:26,472,521, C>A on the plus strand (G>T on the coding strand, the complement: OTOF is on the minus strand). VCF-style: chr2-26472521-C-A. GRCh37 (hg19) VCF-style: chr2-26695389-C-A.
Other names: c.3862G>T, p.Ala1288Ser (NM_001287489.2); c.1561G>T, p.Ala521Ser (NM_004802.4, NM_194323.3); c.1792G>T, p.Ala598Ser (NM_194322.3); short protein forms A521S, A1288S, A598S.
Identifiers: ClinVar variation 1928760 (VCV001928760.5), dbSNP rs747407421, ClinGen allele CA346102466.

ClinVar aggregate classification (germline): Uncertain significance (1 of 4 stars; one submission).

gnomAD v4.1: 2 of 1,613,538 alleles (0.00012%); highest among the groups gnomAD compares: Admixed American, 0.0033%; no homozygotes.

Submission:

Labcorp Genetics (formerly Invitae), Labcorp
Classification: Uncertain significance. Last evaluated: 2022-07-26. Review status: criteria provided, single submitter. Criteria: Invitae Variant Classification Sherloc (09022015). Collection method: clinical testing. Allele origin: germline.
Comment: This sequence change replaces alanine, which is neutral and non-polar, with serine, which is neutral and polar, at codon 1288 of the OTOF protein (p.Ala1288Ser). This variant is present in population databases (no rsID available, gnomAD 0.003%). In summary, the available evidence is currently insufficient to determine the role of this variant in disease. Therefore, it has been classified as a Variant of Uncertain Significance. Algorithms developed to predict the effect of missense changes on protein structure and function (SIFT, PolyPhen-2, Align-GVGD) all suggest that this variant is likely to be tolerated. This variant has not been reported in the literature in individuals affected with OTOF-related conditions.